The following is an entry in ClinVar:

NM_004706.4(ARHGEF1):c.1007G>A (p.Arg336Gln)

Gene: ARHGEF1 (Rho guanine nucleotide exchange factor 1; plus strand). Cytogenetic location: 19q13.2.
Variant type: single nucleotide variant.
Coding change: c.1007G>A on transcript NM_004706.4 (MANE Select); coding-DNA position 1007, G replaced by A.
Protein change: p.Arg336Gln; replaces arginine 336 with glutamine.
Molecular consequence: missense variant.
Genome position (GRCh38, 1-based): chr19:41,895,478, G>A. VCF-style: chr19-41895478-G-A. GRCh37 (hg19) VCF-style: chr19-42399551-G-A.
Other names: c.908G>A, p.Arg303Gln (NM_198977.2); c.1052G>A, p.Arg351Gln (NM_199002.2); c.1052G>A (NM_199002.1); short protein forms R351Q, R303Q, R336Q.
Identifiers: ClinVar variation 1478569 (VCV001478569.7), dbSNP rs371972574, ClinGen allele CA9466134.

ClinVar aggregate classification (germline): Uncertain significance. Review status: criteria provided, multiple submitters, no conflicts (2 of 4 stars). 2 submissions from 2 submitters: Uncertain significance (2). Last evaluated 2025-11-08.

Allele frequency attached by ClinVar (database versions not stated): TOPMed below 0.00001; ExAC 0.00002; ESP Exome Variant Server 0.00008; gnomAD exomes 0.00002.
gnomAD v4.1: 17 of 1,596,458 alleles (0.0011%); highest among the groups gnomAD compares: South Asian, 0.0099%; no homozygotes.

Submissions (2):

Ambry Genetics
Classification: Uncertain significance. Last evaluated: 2025-11-08. Review status: criteria provided, single submitter. Criteria: Ambry Variant Classification Scheme 2023. Collection method: clinical testing. Allele origin: germline.

Labcorp Genetics (formerly Invitae), Labcorp
Classification: Uncertain significance. Last evaluated: 2025-04-02. Review status: criteria provided, single submitter. Criteria: Invitae Variant Classification Sherloc (09022015). Collection method: clinical testing. Allele origin: germline.
Comment: This sequence change replaces arginine, which is basic and polar, with glutamine, which is neutral and polar, at codon 351 of the ARHGEF1 protein (p.Arg351Gln). This variant is present in population databases (rs371972574, gnomAD 0.01%). This variant has not been reported in the literature in individuals affected with ARHGEF1-related conditions. ClinVar contains an entry for this variant (Variation ID: 1478569). An algorithm developed to predict the effect of missense changes on protein structure and function (PolyPhen-2) suggests that this variant is likely to be tolerated. In summary, the available evidence is currently insufficient to determine the role of this variant in disease. Therefore, it has been classified as a Variant of Uncertain Significance.